The following is an entry in ClinVar:

NM_001370298.3(FGD4):c.2243G>T (p.Cys748Phe)

Gene: FGD4 (FYVE, RhoGEF and PH domain containing 4; plus strand). Cytogenetic location: 12p11.21.
Variant type: single nucleotide variant.
Coding change: c.2243G>T on transcript NM_001370298.3 (MANE Select); coding-DNA position 2243, G replaced by T.
Protein change: p.Cys748Phe; replaces cysteine 748 with phenylalanine.
Molecular consequence: missense variant.
Genome position (GRCh38, 1-based): chr12:32,633,619, G>T. VCF-style: chr12-32633619-G-T. GRCh37 (hg19) VCF-style: chr12-32786553-G-T.
Other names: c.2087G>T, p.Cys696Phe (NM_001304481.2); c.1088G>T, p.Cys363Phe (NM_001304483.2); c.800G>T, p.Cys267Phe (NM_001304484.2); c.1553G>T, p.Cys518Phe (NM_001330373.2, NM_001330374.2, NM_001384130.1); c.1280G>T, p.Cys427Phe (NM_001370297.1); c.2243G>T, p.Cys748Phe (NM_001384126.1); c.1832G>T, p.Cys611Phe (NM_001384127.1, NM_001384128.1, NM_001385118.1 and 1 more transcripts); short protein forms C267F, C611F, C696F, C363F, C427F, C518F, C748F.
Identifiers: ClinVar variation 952608 (VCV000952608.9), dbSNP rs1950618963, ClinGen allele CA384370001.

ClinVar aggregate classification (germline): Uncertain significance (1 of 4 stars; one submission).

Conditions:
Charcot-Marie-Tooth disease type 4. Also called: Charcot-Marie-Tooth disease, type IV; Charcot-Marie-Tooth, Type 4. Identifiers: Orphanet 64749, MedGen C4082197, MONDO:0018995.

Submission:

Labcorp Genetics (formerly Invitae), Labcorp
Classification: Uncertain significance for Charcot-Marie-Tooth disease type 4. Last evaluated: 2019-08-29. Review status: criteria provided, single submitter. Criteria: Invitae Variant Classification Sherloc (09022015). Collection method: clinical testing. Allele origin: germline.
Comment: In summary, the available evidence is currently insufficient to determine the role of this variant in disease. Therefore, it has been classified as a Variant of Uncertain Significance. Algorithms developed to predict the effect of missense changes on protein structure and function (SIFT, PolyPhen-2, Align-GVGD) all suggest that this variant is likely to be disruptive, but these predictions have not been confirmed by published functional studies and their clinical significance is uncertain. This variant has not been reported in the literature in individuals with FGD4-related conditions. This variant is not present in population databases (ExAC no frequency). This sequence change replaces cysteine with phenylalanine at codon 611 of the FGD4 protein (p.Cys611Phe). The cysteine residue is highly conserved and there is a large physicochemical difference between cysteine and phenylalanine.